The following is an entry in ClinVar:

NM_004369.4(COL6A3):c.5504G>C (p.Cys1835Ser)

Gene: COL6A3 (collagen type VI alpha 3 chain; minus strand). Cytogenetic location: 2q37.3.
Variant type: single nucleotide variant.
Coding change: c.5504G>C on transcript NM_004369.4 (MANE Select); coding-DNA position 5504, G replaced by C.
Protein change: p.Cys1835Ser; replaces cysteine 1835 with serine.
Molecular consequence: missense variant.
Genome position (GRCh38, 1-based): chr2:237,366,032, C>G on the plus strand (G>C on the coding strand, the complement: COL6A3 is on the minus strand). VCF-style: chr2-237366032-C-G. GRCh37 (hg19) VCF-style: chr2-238274675-C-G.
Other names: c.3683G>C, p.Cys1228Ser (NM_057166.5); c.4886G>C, p.Cys1629Ser (NM_057167.4); short protein forms C1835S, C1228S, C1629S.
Identifiers: ClinVar variation 580800 (VCV000580800.11), dbSNP rs1559235332, ClinGen allele CA351186422.

ClinVar aggregate classification (germline): Uncertain significance (1 of 4 stars; one submission).

Conditions:
Bethlem myopathy 1A. Also called: Bethlem myopathy 1; MYOPATHY, BENIGN CONGENITAL, WITH CONTRACTURES; Bethlem Muscular Dystrophy. Identifiers: Orphanet 610, MedGen CN029274, MONDO:0024530, OMIM 158810.

Submission:

Labcorp Genetics (formerly Invitae), Labcorp
Classification: Uncertain significance for Bethlem myopathy 1A. Last evaluated: 2019-07-04. Review status: criteria provided, single submitter. Criteria: Invitae Variant Classification Sherloc (09022015). Collection method: clinical testing. Allele origin: germline.
Comment: This sequence change replaces cysteine with serine at codon 1835 of the COL6A3 protein (p.Cys1835Ser). The cysteine residue is highly conserved and there is a moderate physicochemical difference between cysteine and serine. This variant is not present in population databases (ExAC no frequency). This variant has not been reported in the literature in individuals with COL6A3-related disease. Algorithms developed to predict the effect of missense changes on protein structure and function do not agree on the potential impact of this missense change (SIFT: "Tolerated"; PolyPhen-2: "Possibly Damaging"; Align-GVGD: "Class C0"). In summary, the available evidence is currently insufficient to determine the role of this variant in disease. Therefore, it has been classified as a Variant of Uncertain Significance.